The following is an entry in ClinVar:

ClinVar aggregate classification (germline): Likely pathogenic. Review status: criteria provided, multiple submitters, no conflicts (2 of 4 stars). 2 submissions from 2 submitters: Likely pathogenic (2). Last evaluated 2025-09-02.

Conditions:
Frontotemporal dementia and/or amyotrophic lateral sclerosis 4. Also called: FTDALS4. Identifiers: Orphanet 275872, MedGen C4225325, MONDO:0014641, OMIM 616439.
Incidental Discovery. Identifiers: MedGen C1135954.

gnomAD v4.1: 2 of 1,542,018 alleles (0.00013%); no homozygotes.

Submissions (2):

Clinical Genetics Laboratory, Skane University Hospital Lund
Classification: Likely pathogenic for Incidental Discovery. Last evaluated: 2025-09-02. Review status: criteria provided, single submitter. Criteria: ACMG Guidelines, 2015. Collection method: clinical testing. Allele origin: germline. Affected: no.
Comment: ACMG-criteria applied: PVS1, PM2

Labcorp Genetics (formerly Invitae), Labcorp
Classification: Likely pathogenic for Frontotemporal dementia and/or amyotrophic lateral sclerosis 4. Last evaluated: 2025-03-02. Review status: criteria provided, single submitter. Criteria: Invitae Variant Classification Sherloc (09022015). Collection method: clinical testing. Allele origin: germline.
Comment: This sequence change affects an acceptor splice site in intron 11 of the TBK1 gene. It is expected to disrupt RNA splicing. Variants that disrupt the donor or acceptor splice site typically lead to a loss of protein function (PMID: 16199547), and loss-of-function variants in TBK1 are known to be pathogenic (PMID: 25803835, 26476236, 26581300). This variant is not present in population databases (gnomAD no frequency). This variant has not been reported in the literature in individuals affected with TBK1-related conditions. Algorithms developed to predict the effect of sequence changes on RNA splicing suggest that this variant may disrupt the consensus splice site. In summary, the currently available evidence indicates that the variant is pathogenic, but additional data are needed to prove that conclusively. Therefore, this variant has been classified as Likely Pathogenic.

Literature cited by the submitters: PubMed 16199547 (cited by Labcorp Genetics (formerly Invitae), Labcorp); PubMed 25803835 (cited by Labcorp Genetics (formerly Invitae), Labcorp); PubMed 26476236 (cited by Labcorp Genetics (formerly Invitae), Labcorp); PubMed 26581300 (cited by Labcorp Genetics (formerly Invitae), Labcorp).

NM_013254.4(TBK1):c.1341-1G>A

Gene: TBK1 (TANK binding kinase 1; plus strand). Cytogenetic location: 12q14.2.
Variant type: single nucleotide variant.
Coding change: c.1341-1G>A on transcript NM_013254.4 (MANE Select); the canonical splice acceptor site of the intron before coding-DNA position 1341, G replaced by A.
Molecular consequence: splice acceptor variant.
Genome position (GRCh38, 1-based): chr12:64,488,486, G>A. VCF-style: chr12-64488486-G-A. GRCh37 (hg19) VCF-style: chr12-64882266-G-A.
Identifiers: ClinVar variation 3615526 (VCV003615526.3).